The following is an entry in ClinVar:

NM_000557.5(GDF5):c.652A>C (p.Arg218=)

Gene: GDF5 (growth differentiation factor 5; minus strand). Cytogenetic location: 20q11.22.
Variant type: single nucleotide variant.
Coding change: c.652A>C on transcript NM_000557.5 (MANE Select); coding-DNA position 652, A replaced by C.
Protein change: p.Arg218=; no amino-acid change (arginine 218 retained).
Molecular consequence: synonymous variant.
Genome position (GRCh38, 1-based): chr20:35,434,763, T>G on the plus strand (A>C on the coding strand, the complement: GDF5 is on the minus strand). VCF-style: chr20-35434763-T-G. GRCh37 (hg19) VCF-style: chr20-34022561-T-G.
Other names: c.652A>C, p.Arg218= (NM_001319138.2).
Identifiers: ClinVar variation 284616 (VCV000284616.63), dbSNP rs116467702, ClinGen allele CA9832261.

ClinVar aggregate classification (germline): Benign/Likely benign. Review status: criteria provided, multiple submitters, no conflicts (2 of 4 stars). 9 submissions from 5 submitters: Benign (4); Likely benign (5). Last evaluated 2026-01-28.

Conditions:
Brachydactyly. Also called: Brachydactyly syndrome; Brachydactyly (disease). Identifiers: MedGen C0221357, MONDO:0021004, HP:0001156.
Multiple synostoses syndrome 2 (SYNS2). Identifiers: Orphanet 3237, MedGen C1832708, MONDO:0012394, OMIM 610017.
Acromesomelic dysplasia 2C, Hunter-Thompson type. Also called: Acromesomelic dysplasia, Hunter-Thompson type. Identifiers: Orphanet 968, MedGen C2930970, MONDO:0008717, OMIM 201250.
Grebe syndrome. Also called: ACROMESOMELIC DYSPLASIA, GREBE TYPE; GREBE DYSPLASIA; ACROMESOMELIC DYSPLASIA 2A. Identifiers: Orphanet 2098, MedGen C0265260, MONDO:0008703, OMIM 200700.
Acromesomelic dysplasia 2B. Also called: DU PAN SYNDROME. Identifiers: Orphanet 2639, MedGen C1856738, MONDO:0009231, OMIM 228900.

Allele frequency attached by ClinVar (database versions not stated): gnomAD exomes 0.00022; ESP Exome Variant Server 0.00138; 1000 Genomes Project 30x 0.00234; TOPMed 0.00234; 1000 Genomes Project 0.00240; gnomAD 0.00240.
gnomAD v4.1: 677 of 1,611,442 alleles (0.042%); highest among the groups gnomAD compares: African/African-American, 0.8%; 1 homozygote.

Submissions (9):

Labcorp Genetics (formerly Invitae), Labcorp
Classification: Benign. Last evaluated: 2026-01-28. Review status: criteria provided, single submitter. Criteria: Invitae Variant Classification Sherloc (09022015). Collection method: clinical testing. Allele origin: germline.

ARUP Laboratories, Molecular Genetics and Genomics, ARUP Laboratories
Classification: Likely benign. Last evaluated: 2021-09-01. Review status: criteria provided, single submitter. Criteria: ARUP Molecular Germline Variant Investigation Process 2021. Collection method: clinical testing. Allele origin: germline.

Illumina Laboratory Services, Illumina
Classification: Likely benign for Grebe syndrome. Last evaluated: 2018-01-13. Review status: criteria provided, single submitter. Criteria: ICSL Variant Classification Criteria 13 December 2019. Collection method: clinical testing. Allele origin: germline.
Comment: This variant was observed in the ICSL laboratory as part of a predisposition screen in an ostensibly healthy population. It had not been previously curated by ICSL or reported in the Human Gene Mutation Database (HGMD: prior to June 1st, 2018), and was therefore a candidate for classification through an automated scoring system. Utilizing variant allele frequency, disease prevalence and penetrance estimates, and inheritance mode, an automated score was calculated to assess if this variant is too frequent to cause the disease. Based on the score and internal cut-off values, a variant classified as likely benign is not then subjected to further curation. The score for this variant resulted in a classification of likely benign for this disease.

Illumina Laboratory Services, Illumina
Classification: Benign for Brachydactyly. Last evaluated: 2018-01-13. Review status: criteria provided, single submitter. Criteria: ICSL Variant Classification Criteria 13 December 2019. Collection method: clinical testing. Allele origin: germline.
Comment: This variant was observed in the ICSL laboratory as part of a predisposition screen in an ostensibly healthy population. It had not been previously curated by ICSL or reported in the Human Gene Mutation Database (HGMD: prior to June 1st, 2018), and was therefore a candidate for classification through an automated scoring system. Utilizing variant allele frequency, disease prevalence and penetrance estimates, and inheritance mode, an automated score was calculated to assess if this variant is too frequent to cause the disease. Based on the score and internal cut-off values, a variant classified as benign is not then subjected to further curation. The score for this variant resulted in a classification of benign for this disease.

Illumina Laboratory Services, Illumina
Classification: Likely benign for Fibular hypoplasia and complex brachydactyly. Last evaluated: 2018-01-13. Review status: criteria provided, single submitter. Criteria: ICSL Variant Classification Criteria 13 December 2019. Collection method: clinical testing. Allele origin: germline.
Comment: the same text as in the submission from Illumina Laboratory Services, Illumina above.

Illumina Laboratory Services, Illumina
Classification: Benign for Multiple synostoses syndrome 2. Last evaluated: 2018-01-13. Review status: criteria provided, single submitter. Criteria: ICSL Variant Classification Criteria 13 December 2019. Collection method: clinical testing. Allele origin: germline.
Comment: the same text as in the submission from Illumina Laboratory Services, Illumina above.

Illumina Laboratory Services, Illumina
Classification: Likely benign for Acromesomelic dysplasia 2C, Hunter-Thompson type. Last evaluated: 2018-01-13. Review status: criteria provided, single submitter. Criteria: ICSL Variant Classification Criteria 13 December 2019. Collection method: clinical testing. Allele origin: germline.
Comment: the same text as in the submission from Illumina Laboratory Services, Illumina above.

Eurofins Ntd Llc (ga)
Classification: Benign. Last evaluated: 2015-11-18. Review status: criteria provided, single submitter. Criteria: EGL Classification Definitions 2015. Collection method: clinical testing. Allele origin: germline. Observed: 1 variant allele, 1 heterozygote.

Breakthrough Genomics
Classification: Likely benign. Review status: criteria provided, single submitter. Criteria: ACMG Guidelines, 2015. Collection method: not provided. Allele origin: germline. Inheritance: Autosomal recessive inheritance. Affected: yes.